The following is an entry in ClinVar:

ClinVar aggregate classification (germline): Uncertain significance. Review status: criteria provided, multiple submitters, no conflicts (2 of 4 stars). 3 submissions from 3 submitters: Uncertain significance (3). Last evaluated 2025-06-06.

Conditions:
Hereditary cancer-predisposing syndrome. Also called: Hereditary Cancer Syndrome; Neoplastic Syndromes, Hereditary; Tumor predisposition; Hereditary neoplastic syndrome. Identifiers: Orphanet 140162, MedGen C0027672, MeSH D009386, MONDO:0015356.
Juvenile polyposis syndrome (JPS). Identifiers: Orphanet 2929, MedGen C0345893, MONDO:0017380, OMIM 174900.

Allele frequency attached by ClinVar (database versions not stated): gnomAD exomes below 0.00001.
gnomAD v4.1: 1 of 1,613,912 alleles (0.000062%); highest among the groups gnomAD compares: Non-Finnish European, 0.000085%; no homozygotes.

Submissions (3):

Ambry Genetics
Classification: Uncertain significance for Hereditary cancer-predisposing syndrome. Last evaluated: 2025-06-06. Review status: criteria provided, single submitter. Criteria: Ambry Variant Classification Scheme 2023. Collection method: clinical testing. Allele origin: germline.
Comment: The p.Y189H variant (also known as c.565T>C), located in coding exon 6 of the BMPR1A gene, results from a T to C substitution at nucleotide position 565. The tyrosine at codon 189 is replaced by histidine, an amino acid with similar properties. This amino acid position is highly conserved in available vertebrate species. In addition, the in silico prediction for this alteration is inconclusive. Since supporting evidence is limited at this time, the clinical significance of this alteration remains unclear.

Color Diagnostics, LLC DBA Color Health
Classification: Uncertain significance for Hereditary cancer-predisposing syndrome. Last evaluated: 2024-03-06. Review status: criteria provided, single submitter. Criteria: ACMG Guidelines, 2015. Collection method: clinical testing. Allele origin: germline.
Comment: This missense variant replaces tyrosine with histidine at codon 189 of the BMPR1A protein. Computational prediction suggests that this variant may not impact protein structure and function (internally defined REVEL score threshold <= 0.5, PMID: 27666373). To our knowledge, functional studies have not been reported for this variant. This variant has not been reported in individuals affected with hereditary cancer in the literature. This variant has not been identified in the general population by the Genome Aggregation Database (gnomAD). The available evidence is insufficient to determine the role of this variant in disease conclusively. Therefore, this variant is classified as a Variant of Uncertain Significance.

Labcorp Genetics (formerly Invitae), Labcorp
Classification: Uncertain significance for Juvenile polyposis syndrome. Last evaluated: 2023-10-27. Review status: criteria provided, single submitter. Criteria: Invitae Variant Classification Sherloc (09022015). Collection method: clinical testing. Allele origin: germline.
Comment: This sequence change replaces tyrosine, which is neutral and polar, with histidine, which is basic and polar, at codon 189 of the BMPR1A protein (p.Tyr189His). This variant is not present in population databases (gnomAD no frequency). This variant has not been reported in the literature in individuals affected with BMPR1A-related conditions. ClinVar contains an entry for this variant (Variation ID: 631368). Advanced modeling of protein sequence and biophysical properties (such as structural, functional, and spatial information, amino acid conservation, physicochemical variation, residue mobility, and thermodynamic stability) performed at Invitae indicates that this missense variant is not expected to disrupt BMPR1A protein function with a negative predictive value of 80%. In summary, the available evidence is currently insufficient to determine the role of this variant in disease. Therefore, it has been classified as a Variant of Uncertain Significance.

NM_004329.3(BMPR1A):c.565T>C (p.Tyr189His)

Gene: BMPR1A (bone morphogenetic protein receptor type 1A; plus strand). Cytogenetic location: 10q23.2.
Variant type: single nucleotide variant.
Coding change: c.565T>C on transcript NM_004329.3 (MANE Select); coding-DNA position 565, T replaced by C.
Protein change: p.Tyr189His; replaces tyrosine 189 with histidine.
Molecular consequence: missense variant.
Genome position (GRCh38, 1-based): chr10:86,912,274, T>C. VCF-style: chr10-86912274-T-C. GRCh37 (hg19) VCF-style: chr10-88672031-T-C.
Other names: short protein forms Y189H.
Identifiers: ClinVar variation 631368 (VCV000631368.19), dbSNP rs1564721927, ClinGen allele CA377454394.
Genomic context (GRCh38, chr10:86,912,274, plus strand): 5'-TAGATTGTTTTCTGCTTTTTTAAAAGACATTATTGCAAGAGCATCTCAAGCAGACGTCGT[T>C]ACAATCGTGATTTGGAACAGGATGAAGCATTTATTCCAGTTGGAGAATCACTAAAAGACC-3'
Protein context (NP_004320.2, residues 179-199): YCKSISSRRR[Tyr189His]NRDLEQDEAF